The following is an entry in ClinVar:

NM_001903.5(CTNNA1):c.1143+8G>C

Gene: CTNNA1 (catenin alpha 1; plus strand). Cytogenetic location: 5q31.2.
Variant type: single nucleotide variant.
Coding change: c.1143+8G>C on transcript NM_001903.5 (MANE Select); 8 bases into the intron after coding-DNA position 1143, G replaced by C.
Molecular consequence: intron variant.
Genome position (GRCh38, 1-based): chr5:138,886,300, G>C. VCF-style: chr5-138886300-G-C. GRCh37 (hg19) VCF-style: chr5-138221989-G-C.
Other names: p.?; c.1143+8G>C (NM_001323982.2, NM_001323984.2, NM_001290307.3 and 3 more transcripts); c.774+8G>C (NM_001290310.3); c.834+8G>C (NM_001290309.3); c.33+8G>C (NM_001323996.1, NM_001323993.1, NM_001324005.1 and 18 more transcripts); c.-365+8G>C (NM_001324007.1, NM_001324009.1, NM_001324006.1 and 1 more transcripts); c.-240+8G>C (NM_001324013.1); c.-58+10703G>C (NM_001324012.1); and 1 more.
Identifiers: ClinVar variation 1169015 (VCV001169015.15), dbSNP rs288028, ClinGen allele CA3431865.

ClinVar aggregate classification (germline): Benign/Likely benign. Review status: criteria provided, multiple submitters, no conflicts (2 of 4 stars). 6 submissions from 6 submitters: Benign (5); Likely benign (1). Last evaluated 2026-02-04.

Conditions:
Hereditary cancer-predisposing syndrome. Also called: Tumor predisposition; Hereditary neoplastic syndrome; Hereditary Cancer Syndrome; Neoplastic Syndromes, Hereditary. Identifiers: Orphanet 140162, MedGen C0027672, MeSH D009386, MONDO:0015356.
Hereditary diffuse gastric adenocarcinoma (HDGC). Also called: DIFFUSE GASTRIC AND LOBULAR BREAST CANCER SYNDROME. Identifiers: Orphanet 26106, MedGen C1708349, MONDO:0007648, OMIM 137215.

Allele frequency attached by ClinVar (database versions not stated): 1000 Genomes Project 0.18570; 1000 Genomes Project 30x 0.19004; TOPMed 0.24748; gnomAD 0.25787 and 0.26126; gnomAD exomes 0.26535; ExAC 0.26545; ESP Exome Variant Server 0.26872.
gnomAD v4.1: 446,153 of 1,577,210 alleles (28%); highest among the groups gnomAD compares: Non-Finnish European, 30%; 65,988 homozygotes.

Submissions (6):

Labcorp Genetics (formerly Invitae), Labcorp
Classification: Benign. Last evaluated: 2026-02-04. Review status: criteria provided, single submitter. Criteria: Invitae Variant Classification Sherloc (09022015). Collection method: clinical testing. Allele origin: germline.

Blueprint Genetics
Classification: Likely benign. Last evaluated: 2024-11-26. Review status: criteria provided, single submitter. Criteria: ACMG Guidelines, 2015. Collection method: clinical testing. Allele origin: germline.

Myriad Genetics, Inc.
Classification: Benign for Hereditary diffuse gastric adenocarcinoma. Last evaluated: 2024-10-10. Review status: criteria provided, single submitter. Criteria: Myriad Autosomal Dominant, Autosomal Recessive and X-Linked Classification Criteria (2023). Collection method: clinical testing. Allele origin: unknown.
Comment: This variant is considered benign. This variant is intronic and is not expected to impact mRNA splicing. This variant has been observed at a population frequency that is significantly greater than expected given the associated disease prevalence and penetrance.

Hereditary Cancer Laboratory, Hospital Universitario 12 de Octubre
Classification: Benign for Hereditary cancer-predisposing syndrome. Last evaluated: 2024-05-28. Review status: criteria provided, single submitter. Criteria: ACMG Guidelines, 2015. Collection method: clinical testing. Allele origin: germline.
Comment: BA1+BP6

Mayo Clinic Laboratories, Mayo Clinic
Classification: Benign. Last evaluated: 2022-05-05. Review status: criteria provided, single submitter. Criteria: ACMG Guidelines, 2015. Collection method: clinical testing. Allele origin: germline. Observed: 264 variant alleles.

GeneDx
Classification: Benign. Last evaluated: 2018-06-22. Review status: criteria provided, single submitter. Criteria: GeneDx Variant Classification Process June 2021. Collection method: clinical testing. Allele origin: germline. Affected: yes.